The following is an entry in ClinVar:

ClinVar aggregate classification (germline): Likely benign (1 of 4 stars; one submission).

gnomAD v4.1: 9 of 1,611,750 alleles (0.00056%); highest among the groups gnomAD compares: Non-Finnish European, 0.00068%; no homozygotes.

Submission:

CeGaT Center for Human Genetics Tuebingen
Classification: Likely benign. Last evaluated: 2026-09-01. Review status: criteria provided, single submitter. Criteria: CeGaT Center For Human Genetics Tuebingen Variant Classification Criteria Version 2. Collection method: clinical testing. Allele origin: germline. Affected: yes. Observed: 1 variant allele.
Comment: KAAG1: BP4, BP7

NM_016356.5(DCDC2):c.-36C>G

Genes: DCDC2 (doublecortin domain containing 2; minus strand), KAAG1 (kidney associated DCDC2 antisense RNA 1; plus strand). Cytogenetic location: 6p22.3.
Variant type: single nucleotide variant.
Coding change: c.-36C>G on transcript NM_016356.5 (MANE Select); 36 bases upstream of the start codon, C replaced by G.
Molecular consequence: 5 prime UTR variant. On other transcripts: non-coding transcript variant (1).
Genome position (GRCh38, 1-based): chr6:24,357,786, G>C on the plus strand (C>G on the coding strand, the complement: DCDC2 is on the minus strand). VCF-style: chr6-24357786-G-C. GRCh37 (hg19) VCF-style: chr6-24358014-G-C.
Other names: c.-36C>G (NM_001195610.2).
Identifiers: ClinVar variation 5041613 (VCV005041613.1).
Genomic context (GRCh38, chr6:24,357,786, plus strand): 5'-TGGACCTGGCGCTGCTGCCGCTCATCTTCCCCGCTGGCCGCCGCCTCAGCTCGCTGCTTC[G>C]CGTCGGGAGGCACCTCCGCTGTCCCAGCGGCCTCACCGCACCCAGGGCGCGGGATCGCCT-3'